The following is an entry in ClinVar:

NM_004415.4(DSP):c.7647C>T (p.Ser2549=)

Gene: DSP (desmoplakin; plus strand). Cytogenetic location: 6p24.3.
Variant type: single nucleotide variant.
Coding change: c.7647C>T on transcript NM_004415.4 (MANE Select); coding-DNA position 7647, C replaced by T.
Protein change: p.Ser2549=; no amino-acid change (serine 2549 retained).
Molecular consequence: synonymous variant.
Genome position (GRCh38, 1-based): chr6:7,584,909, C>T. VCF-style: chr6-7584909-C-T. GRCh37 (hg19) VCF-style: chr6-7585142-C-T.
Other names: c.5850C>T, p.Ser1950= (NM_001008844.3); c.6318C>T, p.Ser2106= (NM_001319034.2); c.7647C>T (LRG_423t1).
Identifiers: ClinVar variation 246674 (VCV000246674.18), dbSNP rs765385403, ClinGen allele CA050340.
Genomic context (GRCh38, chr6:7,584,909, plus strand): 5'-TATTCAAGATGCTATTGACAAGGGCCTTGTTGACAGGAAGTTCTTTGATCAGTACCGATC[C>T]GGCAGCCTCAGCCTCACTCAATTTGCTGACATGATCTCCTTGAAAAATGGTGTCGGCACC-3'
Protein context (NP_004406.2, residues 2539-2559): VDRKFFDQYR[Ser2549=]GSLSLTQFAD

ClinVar aggregate classification (germline): Likely benign. Review status: criteria provided, multiple submitters, no conflicts (2 of 4 stars). 6 submissions from 6 submitters: Likely benign (6). Last evaluated 2025-08-20.

Conditions:
Cardiovascular phenotype. Identifiers: MedGen CN230736.
Arrhythmogenic right ventricular dysplasia 8 (ARVD8). Also called: Arrhythmogenic Right Ventricular Dysplasia/Cardiomyopathy 8; ARRHYTHMOGENIC RIGHT VENTRICULAR DYSPLASIA, FAMILIAL, 8; ARRHYTHMOGENIC RIGHT VENTRICULAR CARDIOMYOPATHY 8. Identifiers: MedGen C1843896, MONDO:0011831, OMIM 607450.
Arrhythmogenic cardiomyopathy with wooly hair and keratoderma. Also called: PALMOPLANTAR KERATODERMA WITH LEFT VENTRICULAR CARDIOMYOPATHY AND WOOLLY HAIR; Carvajal syndrome; Dilated cardiomyopathy with woolly hair and keratoderma; Arrhythmogenic cardiomyopathy with woolly hair and keratoderma. Identifiers: Orphanet 65282, MedGen C1854063, MONDO:0011581, OMIM 605676.
Cardiomyopathy (CMYO). Also called: Cardiomyopathies. Identifiers: Orphanet 167848, MedGen C0878544, MONDO:0004994, HP:0001638. Inheritance: Various modes of inheritance.

Allele frequency attached by ClinVar (database versions not stated): gnomAD below 0.00001 and 0.00001; TOPMed below 0.00001; gnomAD exomes 0.00001 and 0.00002; ExAC 0.00003.

Submissions (6):

Labcorp Genetics (formerly Invitae), Labcorp
Classification: Likely benign for Arrhythmogenic cardiomyopathy with wooly hair and keratoderma; Arrhythmogenic right ventricular dysplasia 8. Last evaluated: 2025-08-20. Review status: criteria provided, single submitter. Criteria: Invitae Variant Classification Sherloc (09022015). Collection method: clinical testing. Allele origin: germline.

Molecular Diagnostic Laboratory for Inherited Cardiovascular Disease, Montreal Heart Institute
Classification: Likely benign. Last evaluated: 2025-02-17. Review status: criteria provided, single submitter. Criteria: ACMG Guidelines, 2015. Collection method: clinical testing. Allele origin: germline. Affected: no.

Blueprint Genetics
Classification: Likely benign. Last evaluated: 2023-12-08. Review status: criteria provided, single submitter. Criteria: ACMG Guidelines, 2015. Collection method: clinical testing. Allele origin: germline.

All of Us Research Program, National Institutes of Health
Classification: Likely benign for Arrhythmogenic cardiomyopathy with wooly hair and keratoderma. Last evaluated: 2023-09-17. Review status: criteria provided, single submitter. Criteria: ACMG Guidelines, 2015. Collection method: clinical testing. Allele origin: germline. Inheritance: Autosomal dominant inheritance. Observed: 2 variant alleles, 2 heterozygotes.
Comment: This study involves interpretation of variants in research participants for the purpose of population health screening. Participant phenotype was not available at the time of variant classification. Additional details can be found in publication PMID: 35346344, PMCID: PMC8962531

Ambry Genetics
Classification: Likely benign for Cardiovascular phenotype. Last evaluated: 2021-08-31. Review status: criteria provided, single submitter. Criteria: Ambry Variant Classification Scheme 2023. Collection method: clinical testing. Allele origin: germline.

Color Diagnostics, LLC DBA Color Health
Classification: Likely benign for Cardiomyopathy. Last evaluated: 2019-02-21. Review status: criteria provided, single submitter. Criteria: ACMG Guidelines, 2015. Collection method: clinical testing. Allele origin: germline.